The following is an entry in ClinVar:

ClinVar aggregate classification (germline): Uncertain significance (1 of 4 stars; one submission).

Conditions:
Epilepsy, familial adult myoclonic, 5 (EPEO5). Also called: CORTICAL MYOCLONIC TREMOR WITH EPILEPSY, FAMILIAL, 5. Identifiers: Orphanet 86814, MedGen C3809374, MONDO:0014167, OMIM 615400.

Allele frequency attached by ClinVar (database versions not stated): TOPMed below 0.00001; gnomAD 0.00001 and 0.00002; gnomAD exomes 0.00001 and 0.00002; ExAC 0.00002.
gnomAD v4.1: 21 of 1,613,268 alleles (0.0013%); highest among the groups gnomAD compares: South Asian, 0.012%; no homozygotes.

Submission:

Labcorp Genetics (formerly Invitae), Labcorp
Classification: Uncertain significance for Epilepsy, familial adult myoclonic, 5. Last evaluated: 2021-08-30. Review status: criteria provided, single submitter. Criteria: Invitae Variant Classification Sherloc (09022015). Collection method: clinical testing. Allele origin: germline.
Comment: This sequence change replaces arginine with tryptophan at codon 704 of the CNTN2 protein (p.Arg704Trp). The arginine residue is highly conserved and there is a moderate physicochemical difference between arginine and tryptophan. This variant is present in population databases (rs776680281, ExAC 0.01%). This variant has not been reported in the literature in individuals affected with CNTN2-related conditions. Advanced modeling of protein sequence and biophysical properties (such as structural, functional, and spatial information, amino acid conservation, physicochemical variation, residue mobility, and thermodynamic stability) performed at Invitae indicates that this missense variant is not expected to disrupt CNTN2 protein function. In summary, the available evidence is currently insufficient to determine the role of this variant in disease. Therefore, it has been classified as a Variant of Uncertain Significance.

NM_005076.5(CNTN2):c.2110C>T (p.Arg704Trp)

Gene: CNTN2 (contactin 2; plus strand). Cytogenetic location: 1q32.1.
Variant type: single nucleotide variant.
Coding change: c.2110C>T on transcript NM_005076.5 (MANE Select); coding-DNA position 2110, C replaced by T.
Protein change: p.Arg704Trp; replaces arginine 704 with tryptophan.
Molecular consequence: missense variant. On other transcripts: non-coding transcript variant (1).
Genome position (GRCh38, 1-based): chr1:205,067,235, C>T. VCF-style: chr1-205067235-C-T. GRCh37 (hg19) VCF-style: chr1-205036363-C-T.
Other names: c.2110C>T, p.Arg704Trp (NM_001346083.2); short protein forms R704W.
Identifiers: ClinVar variation 1501191 (VCV001501191.5), dbSNP rs776680281, ClinGen allele CA1351579.